The following is an entry in ClinVar:

ClinVar aggregate classification (germline): Uncertain significance (1 of 4 stars; one submission).

Conditions:
Juvenile polyposis syndrome (JPS). Identifiers: Orphanet 2929, MedGen C0345893, MONDO:0017380, OMIM 174900.

Submission:

Labcorp Genetics (formerly Invitae), Labcorp
Classification: Uncertain significance for Juvenile polyposis syndrome. Last evaluated: 2021-01-29. Review status: criteria provided, single submitter. Criteria: Invitae Variant Classification Sherloc (09022015). Collection method: clinical testing. Allele origin: germline.
Comment: In summary, the available evidence is currently insufficient to determine the role of this variant in disease. Therefore, it has been classified as a Variant of Uncertain Significance. Experimental studies and prediction algorithms are not available or were not evaluated, and the functional significance of this variant is currently unknown. This variant has not been reported in the literature in individuals with SMAD4-related conditions. This variant is not present in population databases (ExAC no frequency). This variant, c.112_121delinsGAGC, is a complex sequence change that results in the deletion of 4 and insertion of 2 amino acid(s) in the SMAD4 protein (p.Arg38_Glu41delinsGluGln).

NM_005359.6(SMAD4):c.112_121delinsGAGC (p.Arg38_Glu41delinsGluGln)

Gene: SMAD4 (SMAD family member 4; plus strand). Cytogenetic location: 18q21.2.
Variant type: Indel.
Coding change: c.112_121delinsGAGC on transcript NM_005359.6 (MANE Select); coding-DNA positions 112 to 121, AGAGCAATTG replaced by GAGC.
Protein change: p.Arg38_Glu41delinsGluGln.
Molecular consequence: inframe indel. On other transcripts: non-coding transcript variant (2).
Genome position (GRCh38, 1-based): chr18:51,047,158-51,047,167, AGAGCAATTG replaced by GAGC. VCF-style: chr18-51047158-AGAGCAATTG-GAGC. GRCh37 (hg19) VCF-style: chr18-48573528-AGAGCAATTG-GAGC.
Other names: c.112_121delinsGAGC, p.Arg38_Glu41delinsGluGln (NM_001407041.1, NM_001407042.1, NM_001407043.1).
Identifiers: ClinVar variation 4775721 (VCV004775721.1).